The following is an entry in ClinVar:

ClinVar aggregate classification (germline): not provided (0 of 4 stars; one submission).

Conditions:
Hyperimmunoglobulin D with periodic fever (HIDS). Also called: HYPERIMMUNOGLOBULINEMIA D AND PERIODIC FEVER SYNDROME; Hyperimmunoglobulinemia D; Hyperimmunoglobulinemia D with periodic fever. Identifiers: Orphanet 343, MedGen C0398691, MONDO:0009849, OMIM 260920.

Submission:

Unité médicale des maladies autoinflammatoires, CHRU Montpellier
No classification provided. Condition: Hyperimmunoglobulin D with periodic fever. Review status: no classification provided. Collection method: not provided. Allele origin: unknown.
Comment: also involved in OMIM 25117

NM_000431.4(MVK):c.684A>G (p.Pro228=)

Gene: MVK (mevalonate kinase; plus strand). Cytogenetic location: 12q24.11.
Variant type: single nucleotide variant.
Coding change: c.684A>G on transcript NM_000431.4 (MANE Select); coding-DNA position 684, A replaced by G.
Protein change: p.Pro228=; no amino-acid change (proline 228 retained).
Molecular consequence: synonymous variant.
Genome position (GRCh38, 1-based): chr12:109,590,777, A>G. VCF-style: chr12-109590777-A-G. GRCh37 (hg19) VCF-style: chr12-110028582-A-G.
Other names: c.684A>G, p.Pro228= (NM_001114185.3); c.528A>G, p.Pro176= (NM_001301182.2).
Identifiers: ClinVar variation 97610 (VCV000097610.1), dbSNP rs104895377, ClinGen allele CA149873.